The following is an entry in ClinVar:

NM_001370348.2(PHF3):c.1803C>T (p.His601=)

Gene: PHF3 (PHD finger protein 3; plus strand). Cytogenetic location: 6q12.
Variant type: single nucleotide variant.
Coding change: c.1803C>T on transcript NM_001370348.2 (MANE Select); coding-DNA position 1803, C replaced by T.
Protein change: p.His601=; no amino-acid change (histidine 601 retained).
Molecular consequence: synonymous variant. On other transcripts: intron variant (1).
Genome position (GRCh38, 1-based): chr6:63,685,525, C>T. VCF-style: chr6-63685525-C-T. GRCh37 (hg19) VCF-style: chr6-64395426-C-T.
Other names: c.1539C>T, p.His513= (NM_001290259.2, NM_001370349.2); c.1803C>T, p.His601= (NM_001290260.2, NM_015153.4); c.-5+5364C>T (NM_001370350.2).
Identifiers: ClinVar variation 3058158 (VCV003058158.2), dbSNP rs185245950, ClinGen allele CA3875752.

ClinVar aggregate classification (germline): Likely benign (0 of 4 stars; one submission).

Conditions:
PHF3-related disorder. Also called: PHF3-related condition.

Allele frequency attached by ClinVar (database versions not stated): gnomAD exomes 0.00012; ExAC 0.00018; gnomAD 0.00031; TOPMed 0.00039; 1000 Genomes Project 0.00040; 1000 Genomes Project 30x 0.00062.
gnomAD v4.1: 236 of 1,614,062 alleles (0.015%); highest among the groups gnomAD compares: Admixed American, 0.13%; no homozygotes.

Submission:

PreventionGenetics, part of Exact Sciences
Classification: Likely benign for PHF3-related condition. Last evaluated: 2023-11-22. Review status: no assertion criteria provided. Collection method: clinical testing. Allele origin: germline.
Comment: This variant is classified as likely benign based on ACMG/AMP sequence variant interpretation guidelines (Richards et al. 2015 PMID: 25741868, with internal and published modifications).